The following is an entry in ClinVar:

ClinVar aggregate classification (germline): Uncertain significance (1 of 4 stars; one submission).

Conditions:
Severe combined immunodeficiency due to DNA-PKcs deficiency. Also called: IMMUNODEFICIENCY 26 WITH NEUROLOGIC ABNORMALITIES; Immunodeficiency 26 with or without neurologic abnormalities. Identifiers: Orphanet 317425, MedGen C4014833, MONDO:0014423, OMIM 615966.

Allele frequency attached by ClinVar (database versions not stated): gnomAD exomes below 0.00001; ExAC 0.00001.
gnomAD v4.1: 12 of 1,613,986 alleles (0.00074%); highest among the groups gnomAD compares: Non-Finnish European, 0.001%; no homozygotes.

Submission:

Labcorp Genetics (formerly Invitae), Labcorp
Classification: Uncertain significance for Severe combined immunodeficiency due to DNA-PKcs deficiency. Last evaluated: 2020-09-08. Review status: criteria provided, single submitter. Criteria: Invitae Variant Classification Sherloc (09022015). Collection method: clinical testing. Allele origin: germline.
Comment: Experimental studies and prediction algorithms are not available or were not evaluated, and the functional significance of this variant is currently unknown. In summary, the available evidence is currently insufficient to determine the role of this variant in disease. Therefore, it has been classified as a Variant of Uncertain Significance. This variant has been observed in individual(s) with severe combined immunodeficiency (PMID: 30778343). This variant is also known as c.9862C>T p. R3288W in the literature. This variant is present in population databases (rs757415778, ExAC 0.001%). This sequence change replaces arginine with tryptophan at codon 3289 of the PRKDC protein (p.Arg3289Trp). The arginine residue is weakly conserved and there is a moderate physicochemical difference between arginine and tryptophan.

Literature cited by the submitters: PubMed 30778343.

NM_006904.7(PRKDC):c.9865C>T (p.Arg3289Trp)

Gene: PRKDC (protein kinase, DNA-activated, catalytic subunit; minus strand). Cytogenetic location: 8q11.21.
Variant type: single nucleotide variant.
Coding change: c.9865C>T on transcript NM_006904.7 (MANE Select); coding-DNA position 9865, C replaced by T.
Protein change: p.Arg3289Trp; replaces arginine 3289 with tryptophan.
Molecular consequence: missense variant.
Genome position (GRCh38, 1-based): chr8:47,803,363, G>A on the plus strand (C>T on the coding strand, the complement: PRKDC is on the minus strand). VCF-style: chr8-47803363-G-A. GRCh37 (hg19) VCF-style: chr8-48715924-G-A.
Other names: c.9865C>T, p.Arg3289Trp (NM_001081640.2); short protein forms R3289W.
Identifiers: ClinVar variation 1058563 (VCV001058563.2), dbSNP rs757415778, ClinGen allele CA4739469.